The following is an entry in ClinVar:

NM_000548.5(TSC2):c.4473A>G (p.Lys1491=)

Gene: TSC2 (TSC complex subunit 2; plus strand). Cytogenetic location: 16p13.3.
Variant type: single nucleotide variant.
Coding change: c.4473A>G on transcript NM_000548.5 (MANE Select); coding-DNA position 4473, A replaced by G.
Protein change: p.Lys1491=; no amino-acid change (lysine 1491 retained).
Molecular consequence: synonymous variant.
Genome position (GRCh38, 1-based): chr16:2,084,695, A>G. VCF-style: chr16-2084695-A-G. GRCh37 (hg19) VCF-style: chr16-2134696-A-G.
Other names: c.4272A>G, p.Lys1424= (NM_001077183.3); c.4404A>G, p.Lys1468= (NM_001114382.3); c.4164A>G, p.Lys1388= (NM_001318827.2); c.4128A>G, p.Lys1376= (NM_001318829.2); c.3741A>G, p.Lys1247= (NM_001318831.2); c.4305A>G, p.Lys1435= (NM_001318832.2); c.4275A>G, p.Lys1425= (NM_001363528.2); c.4341A>G, p.Lys1447= (NM_001370404.1); and 1 more.
Identifiers: ClinVar variation 536042 (VCV000536042.13), dbSNP rs1266546987, ClinGen allele CA493043367.

ClinVar aggregate classification (germline): Benign/Likely benign. Review status: criteria provided, multiple submitters, no conflicts (2 of 4 stars). 4 submissions from 4 submitters: Benign (1); Likely benign (3). Last evaluated 2025-06-03.

Conditions:
Hereditary cancer-predisposing syndrome. Also called: Neoplastic Syndromes, Hereditary; Tumor predisposition; Hereditary Cancer Syndrome; Hereditary neoplastic syndrome. Identifiers: Orphanet 140162, MedGen C0027672, MeSH D009386, MONDO:0015356.
Tuberous sclerosis 2 (TSC2). Identifiers: Orphanet 805, MedGen C1860707, MONDO:0013199, OMIM 613254.
Tuberous sclerosis syndrome (TSC). Also called: Tuberous Sclerosis Complex; Tuberous sclerosis. Identifiers: Orphanet 805, MedGen C0041341, MONDO:0001734.

Allele frequency attached by ClinVar (database versions not stated): TOPMed below 0.00001.
gnomAD v4.1: 1 of 1,598,330 alleles (0.000063%); highest among the groups gnomAD compares: Non-Finnish European, 0.000085%; no homozygotes.

Submissions (4):

Myriad Genetics, Inc.
Classification: Benign for Tuberous sclerosis 2. Last evaluated: 2025-06-03. Review status: criteria provided, single submitter. Criteria: Myriad Autosomal Dominant, Autosomal Recessive and X-Linked Classification Criteria (2023). Collection method: clinical testing. Allele origin: unknown.
Comment: This variant is considered benign. This variant is a silent/synonymous amino acid change and it is not expected to impact splicing.

Labcorp Genetics (formerly Invitae), Labcorp
Classification: Likely benign for Tuberous sclerosis 2. Last evaluated: 2025-04-28. Review status: criteria provided, single submitter. Criteria: Invitae Variant Classification Sherloc (09022015). Collection method: clinical testing. Allele origin: germline.

All of Us Research Program, National Institutes of Health
Classification: Likely benign for Tuberous sclerosis syndrome. Last evaluated: 2023-06-15. Review status: criteria provided, single submitter. Criteria: ACMG Guidelines, 2015. Collection method: clinical testing. Allele origin: germline. Inheritance: Autosomal dominant inheritance. Observed: 2 variant alleles, 2 heterozygotes.
Comment: This study involves interpretation of variants in research participants for the purpose of population health screening. Participant phenotype was not available at the time of variant classification. Additional details can be found in publication PMID: 35346344, PMCID: PMC8962531

Ambry Genetics
Classification: Likely benign for Hereditary cancer-predisposing syndrome. Last evaluated: 2022-11-03. Review status: criteria provided, single submitter. Criteria: Ambry Variant Classification Scheme 2023. Collection method: clinical testing. Allele origin: germline.